The following is an entry in ClinVar:

ClinVar aggregate classification (germline): Benign. Review status: criteria provided, multiple submitters, no conflicts (2 of 4 stars). 3 submissions from 3 submitters: Benign (3). Last evaluated 2026-06-01.

Allele frequency attached by ClinVar (database versions not stated): 1000 Genomes Project 30x 0.00219; 1000 Genomes Project 0.00379; TOPMed 0.00628; gnomAD 0.00705 and 0.00748; gnomAD exomes 0.00723 and 0.00965; ExAC 0.00810; ESP Exome Variant Server 0.00946.

Submissions (3):

CeGaT Center for Human Genetics Tuebingen
Classification: Benign. Last evaluated: 2026-06-01. Review status: criteria provided, single submitter. Criteria: CeGaT Center For Human Genetics Tuebingen Variant Classification Criteria Version 2. Collection method: clinical testing. Allele origin: germline. Affected: yes. Observed: 5 variant alleles.
Comment: RCBTB1: BP4, BP7, BS1, BS2

Labcorp Genetics (formerly Invitae), Labcorp
Classification: Benign. Last evaluated: 2026-02-01. Review status: criteria provided, single submitter. Criteria: Invitae Variant Classification Sherloc (09022015). Collection method: clinical testing. Allele origin: germline.

Breakthrough Genomics
Classification: Benign. Review status: criteria provided, single submitter. Criteria: ACMG Guidelines, 2015. Collection method: not provided. Allele origin: germline. Inheritance: Autosomal recessive inheritance. Affected: yes.

NM_018191.4(RCBTB1):c.1047G>A (p.Glu349=)

Gene: RCBTB1 (RCC1 and BTB domain containing protein 1; minus strand). Cytogenetic location: 13q14.2.
Variant type: single nucleotide variant.
Coding change: c.1047G>A on transcript NM_018191.4 (MANE Select); coding-DNA position 1047, G replaced by A.
Protein change: p.Glu349=; no amino-acid change (glutamic acid 349 retained).
Molecular consequence: synonymous variant. On other transcripts: non-coding transcript variant (2).
Genome position (GRCh38, 1-based): chr13:49,544,862, C>T on the plus strand (G>A on the coding strand, the complement: RCBTB1 is on the minus strand). VCF-style: chr13-49544862-C-T. GRCh37 (hg19) VCF-style: chr13-50118998-C-T.
Other names: c.1047G>A, p.Glu349= (NM_001352500.2, NM_001352501.2, NM_001352502.2 and 2 more transcripts); c.468G>A, p.Glu156= (NM_001352506.2).
Identifiers: ClinVar variation 791589 (VCV000791589.34), dbSNP rs41284792, ClinGen allele CA6982668.
Genomic context (GRCh38, chr13:49,544,862, plus strand): 5'-AGTTTCTGGACTATCAAATTCTTTCTTCAGTGACTCTGCAACTGTTAAAAAGTCTTCATG[C>T]TCTGAAGGCAACAAACATATATTAATATGGCAAGTTCAAGGAACAGATTGAAGATTCAAA-3'
Protein context (NP_060661.3, residues 339-359): PAVSWRLLSV[Glu349=]HEDFLTVAES